The following is an entry in ClinVar:

NM_024989.4(PGAP1):c.2604T>C (p.Asn868=)

Gene: PGAP1 (post-GPI attachment to proteins inositol deacylase 1; minus strand). Cytogenetic location: 2q33.1.
Variant type: single nucleotide variant.
Coding change: c.2604T>C on transcript NM_024989.4 (MANE Select); coding-DNA position 2604, T replaced by C.
Protein change: p.Asn868=; no amino-acid change (asparagine 868 retained).
Molecular consequence: synonymous variant.
Genome position (GRCh38, 1-based): chr2:196,842,747, A>G on the plus strand (T>C on the coding strand, the complement: PGAP1 is on the minus strand). VCF-style: chr2-196842747-A-G. GRCh37 (hg19) VCF-style: chr2-197707471-A-G.
Other names: p.Asn868=; c.2082T>C, p.Asn694= (NM_001321099.2); c.1437T>C, p.Asn479= (NM_001321100.2).
Identifiers: ClinVar variation 703891 (VCV000703891.22), dbSNP rs74459402, ClinGen allele CA2040589.

ClinVar aggregate classification (germline): Benign/Likely benign. Review status: criteria provided, multiple submitters, no conflicts (2 of 4 stars). 6 submissions from 6 submitters: Benign (2); Likely benign (3). 1 of the submissions does not count toward it. Last evaluated 2026-01-19.

Conditions:
Intellectual disability, autosomal recessive 42 (NEDDSBA). Also called: Neurodevelopmental disorder with dysmorphic features, spasticity, and brain abnormalities; GLYCOSYLPHOSPHATIDYLINOSITOL BIOSYNTHESIS DEFECT 9. Identifiers: Orphanet 88616, MedGen C4014343, MONDO:0014348, OMIM 615802.
Hereditary spastic paraplegia. Also called: Familial spastic paraparesis. Identifiers: Orphanet 685, MedGen C0037773, MONDO:0019064. Disease mechanism: loss of function.
PGAP1-related disorder. Also called: PGAP1-related condition.

Allele frequency attached by ClinVar (database versions not stated): gnomAD exomes 0.00087 and 0.00260; ExAC 0.00322; gnomAD 0.01015 and 0.01097; ESP Exome Variant Server 0.01141; TOPMed 0.01178; 1000 Genomes Project 0.01378; 1000 Genomes Project 30x 0.01452.
gnomAD v4.1: 2,830 of 1,576,724 alleles (0.18%); highest among the groups gnomAD compares: African/African-American, 3.4%; 36 homozygotes.

Submissions (6):

Labcorp Genetics (formerly Invitae), Labcorp
Classification: Benign for Intellectual disability, autosomal recessive 42. Last evaluated: 2026-01-19. Review status: criteria provided, single submitter. Criteria: Invitae Variant Classification Sherloc (09022015). Collection method: clinical testing. Allele origin: germline.

Mayo Clinic Laboratories, Mayo Clinic
Classification: Benign. Last evaluated: 2023-11-07. Review status: criteria provided, single submitter. Criteria: ACMG Guidelines, 2015. Collection method: clinical testing. Allele origin: germline. Observed: 5 variant alleles.
Comment: BA1, BS2, BP4, BP7

GeneDx
Classification: Likely benign. Last evaluated: 2021-05-06. Review status: criteria provided, single submitter. Criteria: GeneDx Variant Classification Process June 2021. Collection method: clinical testing. Allele origin: germline. Affected: yes.

Genome Diagnostics Laboratory, The Hospital for Sick Children
Classification: Likely benign for Hereditary spastic paraplegia. Last evaluated: 2018-11-01. Review status: criteria provided, single submitter. Criteria: ACMG Guidelines, 2015. Collection method: clinical testing. Allele origin: germline. Affected: yes.

Breakthrough Genomics
Classification: Likely benign. Review status: criteria provided, single submitter. Criteria: ACMG Guidelines, 2015. Collection method: not provided. Allele origin: germline. Inheritance: Autosomal recessive inheritance. Affected: yes.

PreventionGenetics, part of Exact Sciences
Classification: Benign for PGAP1-related condition. Last evaluated: 2019-08-07. Review status: no assertion criteria provided. Collection method: clinical testing. Allele origin: germline. Not counted in ClinVar's aggregate classification.
Comment: This variant is classified as benign based on ACMG/AMP sequence variant interpretation guidelines (Richards et al. 2015 PMID: 25741868, with internal and published modifications).